The following is an entry in ClinVar:

ClinVar aggregate classification (germline): Uncertain significance (1 of 4 stars; one submission).

Allele frequency attached by ClinVar (database versions not stated): gnomAD 0.00005; ExAC 0.00007; 1000 Genomes Project 0.00020; 1000 Genomes Project 30x 0.00031.
gnomAD v4.1: 44 of 1,614,162 alleles (0.0027%); highest among the groups gnomAD compares: Admixed American, 0.018%; no homozygotes.

Submission:

Labcorp Genetics (formerly Invitae), Labcorp
Classification: Uncertain significance. Last evaluated: 2023-10-04. Review status: criteria provided, single submitter. Criteria: Invitae Variant Classification Sherloc (09022015). Collection method: clinical testing. Allele origin: germline.
Comment: This sequence change replaces valine, which is neutral and non-polar, with methionine, which is neutral and non-polar, at codon 595 of the ABCB6 protein (p.Val595Met). This variant is present in population databases (rs190137939, gnomAD 0.02%). This variant has not been reported in the literature in individuals affected with ABCB6-related conditions. An algorithm developed to predict the effect of missense changes on protein structure and function (PolyPhen-2) suggests that this variant is likely to be disruptive. In summary, the available evidence is currently insufficient to determine the role of this variant in disease. Therefore, it has been classified as a Variant of Uncertain Significance.

NM_005689.4(ABCB6):c.1783G>A (p.Val595Met)

Gene: ABCB6 (ATP binding cassette subfamily B member 6 (LAN blood group); minus strand). Cytogenetic location: 2q35.
Variant type: single nucleotide variant.
Coding change: c.1783G>A on transcript NM_005689.4 (MANE Select); coding-DNA position 1783, G replaced by A.
Protein change: p.Val595Met; replaces valine 595 with methionine.
Molecular consequence: missense variant.
Genome position (GRCh38, 1-based): chr2:219,213,263, C>T on the plus strand (G>A on the coding strand, the complement: ABCB6 is on the minus strand). VCF-style: chr2-219213263-C-T. GRCh37 (hg19) VCF-style: chr2-220077985-C-T.
Other names: c.1645G>A, p.Val549Met (NM_001349828.2); short protein forms V595M, V549M.
Identifiers: ClinVar variation 2896613 (VCV002896613.3), dbSNP rs190137939, ClinGen allele CA2119234.